The following is an entry in ClinVar:

NM_002974.4(SERPINB4):c.476T>A (p.Ile159Asn)

Gene: SERPINB4 (serpin family B member 4; minus strand). Cytogenetic location: 18q21.33.
Variant type: single nucleotide variant.
Coding change: c.476T>A on transcript NM_002974.4 (MANE Select); coding-DNA position 476, T replaced by A.
Protein change: p.Ile159Asn; replaces isoleucine 159 with asparagine.
Molecular consequence: missense variant.
Genome position (GRCh38, 1-based): chr18:63,639,770, A>T on the plus strand (T>A on the coding strand, the complement: SERPINB4 is on the minus strand). VCF-style: chr18-63639770-A-T. GRCh37 (hg19) VCF-style: chr18-61307004-A-T.
Other names: c.476T>A, p.Ile159Asn (NM_175041.2); short protein forms I159N.
Identifiers: ClinVar variation 161604 (VCV000161604.2), dbSNP rs193921093, ClinGen allele CA174432.
Genomic context (GRCh38, chr18:63,639,770, plus strand): 5'-GCGTTCACAAGAACCAGTGTCGTATCATTGCCAATAGTCCCATCAGGAAATAGGTTTTTA[A>T]TTTTTTCTGCAAGGGAAAGAATAAAAGAGTCTTTTACACAAGCTACAAATGGCTTGTCTG-3'
Protein context (NP_002965.1, residues 149-169): SWVESQTNEK[Ile159Asn]KNLFPDGTIG

ClinVar aggregate classification (germline): Uncertain significance (0 of 4 stars; one submission).

Conditions:
Prostate cancer. Also called: Malignant tumor of prostate. Identifiers: Orphanet 1331, MedGen C0376358, MONDO:0008315, HP:0012125.

Allele frequency attached by ClinVar (database versions not stated): gnomAD exomes below 0.00001.

Submission:

Science for Life laboratory,  Karolinska Institutet
Classification: Uncertain significance for Malignant tumor of prostate. Review status: no assertion criteria provided. Collection method: not provided. Allele origin: somatic.
Comment: TumorID:SWE-91A
ClinVar note: Converted during submission from Unknown to Uncertain significance.